The following is an entry in ClinVar:

ClinVar aggregate classification (germline): Uncertain significance (1 of 4 stars; one submission).

Conditions:
Dyskeratosis congenita, autosomal dominant 6 (DKCA6). Identifiers: Orphanet 3322, MedGen C4225284, MONDO:0014690, OMIM 616553.

Submission:

Labcorp Genetics (formerly Invitae), Labcorp
Classification: Uncertain significance for Dyskeratosis congenita, autosomal dominant 6. Last evaluated: 2024-08-10. Review status: criteria provided, single submitter. Criteria: Invitae Variant Classification Sherloc (09022015). Collection method: clinical testing. Allele origin: germline.
Comment: This sequence change replaces glycine, which is neutral and non-polar, with alanine, which is neutral and non-polar, at codon 188 of the ACD protein (p.Gly188Ala). This variant is not present in population databases (gnomAD no frequency). This variant has not been reported in the literature in individuals affected with ACD-related conditions. Advanced modeling of protein sequence and biophysical properties (such as structural, functional, and spatial information, amino acid conservation, physicochemical variation, residue mobility, and thermodynamic stability) has been performed at Invitae for this missense variant, however the output from this modeling did not meet the statistical confidence thresholds required to predict the impact of this variant on ACD protein function. In summary, the available evidence is currently insufficient to determine the role of this variant in disease. Therefore, it has been classified as a Variant of Uncertain Significance.

NM_001082486.2(ACD):c.305G>C (p.Gly102Ala)

Gene: ACD (ACD shelterin complex subunit and telomerase recruitment factor; minus strand). Cytogenetic location: 16q22.1.
Variant type: single nucleotide variant.
Coding change: c.305G>C on transcript NM_001082486.2 (MANE Select); coding-DNA position 305, G replaced by C.
Protein change: p.Gly102Ala; replaces glycine 102 with alanine.
Molecular consequence: missense variant.
Genome position (GRCh38, 1-based): chr16:67,659,733, C>G on the plus strand (G>C on the coding strand, the complement: ACD is on the minus strand). VCF-style: chr16-67659733-C-G. GRCh37 (hg19) VCF-style: chr16-67693636-C-G.
Other names: c.296G>C, p.Gly99Ala (NM_022914.3); c.305G>C, p.Gly102Ala (NM_001410884.1); short protein forms G102A, G99A.
Identifiers: ClinVar variation 3606243 (VCV003606243.2).